The following is an entry in ClinVar:

ClinVar aggregate classification (germline): Uncertain significance (1 of 4 stars; one submission).

Allele frequency attached by ClinVar (database versions not stated): gnomAD exomes below 0.00001; TOPMed below 0.00001; gnomAD 0.00001.
gnomAD v4.1: 5 of 1,614,040 alleles (0.00031%); highest among the groups gnomAD compares: African/African-American, 0.0013%; no homozygotes.

Submission:

Labcorp Genetics (formerly Invitae), Labcorp
Classification: Uncertain significance. Last evaluated: 2023-01-24. Review status: criteria provided, single submitter. Criteria: Invitae Variant Classification Sherloc (09022015). Collection method: clinical testing. Allele origin: germline.
Comment: This sequence change falls in intron 19 of the SPTBN2 gene. It does not directly change the encoded amino acid sequence of the SPTBN2 protein. It affects a nucleotide within the consensus splice site. This variant is present in population databases (no rsID available, gnomAD 0.0009%). This variant has not been reported in the literature in individuals affected with SPTBN2-related conditions. Variants that disrupt the consensus splice site are a relatively common cause of aberrant splicing (PMID: 17576681, 9536098). Algorithms developed to predict the effect of sequence changes on RNA splicing suggest that this variant is not likely to affect RNA splicing. In summary, the available evidence is currently insufficient to determine the role of this variant in disease. Therefore, it has been classified as a Variant of Uncertain Significance.

Literature cited by the submitters: PubMed 17576681; PubMed 9536098.

NM_006946.4(SPTBN2):c.4014+3G>A

Gene: SPTBN2 (spectrin beta, non-erythrocytic 2; minus strand). Cytogenetic location: 11q13.2.
Variant type: single nucleotide variant.
Coding change: c.4014+3G>A on transcript NM_006946.4 (MANE Select); 3 bases into the intron after coding-DNA position 4014, G replaced by A.
Molecular consequence: intron variant.
Genome position (GRCh38, 1-based): chr11:66,698,636, C>T on the plus strand (G>A on the coding strand, the complement: SPTBN2 is on the minus strand). VCF-style: chr11-66698636-C-T. GRCh37 (hg19) VCF-style: chr11-66466107-C-T.
Other names: c.4035+3G>A (NM_001411025.1).
Identifiers: ClinVar variation 3015990 (VCV003015990.3), dbSNP rs1399903753, ClinGen allele CA599874197.